The following is an entry in ClinVar:

ClinVar aggregate classification (germline): Uncertain significance (1 of 4 stars; one submission).

Conditions:
Cardiovascular phenotype. Identifiers: MedGen CN230736.

Submission:

Ambry Genetics
Classification: Uncertain significance for Cardiovascular phenotype. Last evaluated: 2021-03-30. Review status: criteria provided, single submitter. Criteria: Ambry Variant Classification Scheme 2023. Collection method: clinical testing. Allele origin: germline.
Comment: The c.960_962dupGGC variant (also known as p.A321dup), located in coding exon 9 of the MYH7 gene, results from an in-frame duplication of GGC at nucleotide positions 960 to 962. This results in the duplication of an extra alanine residue between codons 321 and 322, and it is located in the myosin head domain. This amino acid position is not well conserved in available vertebrate species. In addition, this alteration is predicted to be deleterious by in silico analysis (Choi Y et al. PLoS ONE. 2012; 7(10):e46688). Since supporting evidence is limited at this time, the clinical significance of this alteration remains unclear.

NM_000257.4(MYH7):c.960_962dup (p.Ala321_Ser322insAla)

Gene: MYH7 (myosin heavy chain 7; minus strand). Cytogenetic location: 14q11.2.
Variant type: Duplication.
Coding change: c.960_962dup on transcript NM_000257.4 (MANE Select); coding-DNA positions 960 to 962, 3 bases duplicated (GGC; older notation c.960_962dupGGC).
Protein change: p.Ala321_Ser322insAla.
Molecular consequence: inframe insertion. On other transcripts: inframe indel (1).
Genome position (GRCh38, 1-based): chr14:23,430,597-23,430,599, GCC duplicated on the plus strand (GGC on the coding strand, the reverse complement: MYH7 is on the minus strand). VCF-style (leftmost placement, unchanged base first): chr14-23430596-G-GGCC. GRCh37 (hg19) VCF-style: chr14-23899805-G-GGCC.
Other names: c.960_962dup, p.Ala321_Ser322insAla (NM_001407004.1); c.960_962dupGGC (NM_000257.4).
Identifiers: ClinVar variation 1767538 (VCV001767538.2), dbSNP rs2502308610, ClinGen allele CA2580087872.